The following is an entry in ClinVar:

NM_000487.6(ARSA):c.*503A>G

Gene: ARSA (arylsulfatase A; minus strand). Cytogenetic location: 22q13.33.
Variant type: single nucleotide variant.
Coding change: c.*503A>G on transcript NM_000487.6 (MANE Select); 503 bases downstream of the stop codon, A replaced by G.
Molecular consequence: 3 prime UTR variant.
Genome position (GRCh38, 1-based): chr22:50,624,642, T>C on the plus strand (A>G on the coding strand, the complement: ARSA is on the minus strand). VCF-style: chr22-50624642-T-C. GRCh37 (hg19) VCF-style: chr22-51063070-T-C.
Other names: c.*503A>G (NM_001085425.3, NM_001085426.3, NM_001085427.3 and 2 more transcripts).
Identifiers: ClinVar variation 342225 (VCV000342225.5), dbSNP rs141494339, ClinGen allele CA10651565.

ClinVar aggregate classification (germline): Likely benign (1 of 4 stars; one submission).

Conditions:
Metachromatic leukodystrophy (MLD). Also called: ARSA DEFICIENCY; CEREBROSIDE SULFATASE DEFICIENCY; METACHROMATIC LEUKOENCEPHALOPATHY; SULFATIDE LIPIDOSIS; Cerebral sclerosis diffuse metachromatic form; Arylsulfatase A Deficiency. Identifiers: Orphanet 512, MedGen C0023522, MONDO:0018868, OMIM 250100.

Allele frequency attached by ClinVar (database versions not stated): 1000 Genomes Project 30x 0.01296; 1000 Genomes Project 0.01298; TOPMed 0.02402; gnomAD 0.02726 and 0.02729.
gnomAD v4.1: 4,127 of 152,284 alleles (2.7%); highest among the groups gnomAD compares: Non-Finnish European, 3.9%; 76 homozygotes.

Submission:

Illumina Laboratory Services, Illumina
Classification: Likely benign for Metachromatic leukodystrophy. Last evaluated: 2018-01-13. Review status: criteria provided, single submitter. Criteria: ICSL Variant Classification Criteria 13 December 2019. Collection method: clinical testing. Allele origin: germline.
Comment: This variant was observed in the ICSL laboratory as part of a predisposition screen in an ostensibly healthy population. It had not been previously curated by ICSL or reported in the Human Gene Mutation Database (HGMD: prior to June 1st, 2018), and was therefore a candidate for classification through an automated scoring system. Utilizing variant allele frequency, disease prevalence and penetrance estimates, and inheritance mode, an automated score was calculated to assess if this variant is too frequent to cause the disease. Based on the score and internal cut-off values, a variant classified as likely benign is not then subjected to further curation. The score for this variant resulted in a classification of likely benign for this disease.